The following is an entry in ClinVar:

NM_012203.2(GRHPR):c.337G>T (p.Glu113Ter)

Gene: GRHPR (glyoxylate and hydroxypyruvate reductase; plus strand). Cytogenetic location: 9p13.2.
Variant type: single nucleotide variant.
Coding change: c.337G>T on transcript NM_012203.2 (MANE Select); coding-DNA position 337, G replaced by T.
Protein change: p.Glu113Ter; replaces glutamic acid 113 with a stop codon.
Molecular consequence: nonsense.
Genome position (GRCh38, 1-based): chr9:37,426,587, G>T. VCF-style: chr9-37426587-G-T. GRCh37 (hg19) VCF-style: chr9-37426584-G-T.
Other names: short protein forms E113*.
Identifiers: ClinVar variation 371535 (VCV000371535.8), dbSNP rs180177307, ClinGen allele CA16041326.

ClinVar aggregate classification (germline): Pathogenic. Review status: criteria provided, multiple submitters, no conflicts (2 of 4 stars). 3 submissions from 3 submitters: Pathogenic (2). 1 of the submissions does not count toward it. Last evaluated 2023-10-30.

Conditions:
Primary hyperoxaluria, type II (HP2). Also called: OXALOSIS II; D-GLYCERATE DEHYDROGENASE DEFICIENCY; GLYCERIC ACIDURIA; GLYOXYLATE REDUCTASE/HYDROXYPYRUVATE REDUCTASE DEFICIENCY; Primary hyperoxaluria type 2. Identifiers: Orphanet 416, Orphanet 93599, MedGen C0268165, MONDO:0009824, OMIM 260000. Disease mechanism: loss of function.

Submissions (3):

Baylor Genetics
Classification: Pathogenic for Primary hyperoxaluria, type II. Last evaluated: 2023-10-30. Review status: criteria provided, single submitter. Criteria: ACMG Guidelines, 2015. Collection method: clinical testing. Allele origin: unknown.

Labcorp Genetics (formerly Invitae), Labcorp
Classification: Pathogenic. Last evaluated: 2022-07-12. Review status: criteria provided, single submitter. Criteria: Invitae Variant Classification Sherloc (09022015). Collection method: clinical testing. Allele origin: germline.
Comment: For these reasons, this variant has been classified as Pathogenic. Algorithms developed to predict the effect of sequence changes on RNA splicing suggest that this variant may disrupt the consensus splice site. ClinVar contains an entry for this variant (Variation ID: 371535). This premature translational stop signal has been observed in individual(s) with primary hyperoxaluria (PMID: 25644115). This variant is not present in population databases (gnomAD no frequency). This sequence change creates a premature translational stop signal (p.Glu113*) in the GRHPR gene. It is expected to result in an absent or disrupted protein product. Loss-of-function variants in GRHPR are known to be pathogenic (PMID: 25644115).

Counsyl
Classification: Likely pathogenic for Primary hyperoxaluria, type II. Last evaluated: 2016-10-12. Review status: no assertion criteria provided. Collection method: clinical testing. Allele origin: unknown. Not counted in ClinVar's aggregate classification.

Literature cited by the submitters: PubMed 25644115 (cited by Labcorp Genetics (formerly Invitae), Labcorp and Counsyl).